The following is an entry in ClinVar:

ClinVar aggregate classification (germline): Likely benign. Review status: criteria provided, multiple submitters, no conflicts (2 of 4 stars). 3 submissions from 3 submitters: Likely benign (3). Last evaluated 2025-11-18.

Conditions:
COL12A1-related disorder. Also called: COL12A1-related condition.
Ullrich congenital muscular dystrophy 2 (UCMD2). Identifiers: Orphanet 75840, MedGen C4225314, MONDO:0014654, OMIM 616470.
Bethlem myopathy 2 (BTHLM2). Identifiers: Orphanet 536516, Orphanet 610, MedGen C4225313, MONDO:0034022, OMIM 616471.

Allele frequency attached by ClinVar (database versions not stated): gnomAD exomes below 0.00001; TOPMed 0.00001; ExAC 0.00002; ESP Exome Variant Server 0.00008.
gnomAD v4.1: 6 of 1,614,020 alleles (0.00037%); highest among the groups gnomAD compares: Non-Finnish European, 0.00051%; no homozygotes.

Submissions (3):

Labcorp Genetics (formerly Invitae), Labcorp
Classification: Likely benign for Bethlem myopathy 2; Ullrich congenital muscular dystrophy 2. Last evaluated: 2025-11-18. Review status: criteria provided, single submitter. Criteria: Invitae Variant Classification Sherloc (09022015). Collection method: clinical testing. Allele origin: germline.

Mayo Clinic Laboratories, Mayo Clinic
Classification: Likely benign. Last evaluated: 2025-03-18. Review status: criteria provided, single submitter. Criteria: ACMG Guidelines, 2015. Collection method: clinical testing. Allele origin: germline. Observed: 2 variant alleles.
Comment: BP4, BP7, PM2_supporting

PreventionGenetics, part of Exact Sciences
Classification: Likely benign for COL12A1-related condition. Last evaluated: 2025-03-13. Review status: criteria provided, single submitter. Criteria: ACMG Guidelines, 2015. Collection method: clinical testing. Allele origin: germline.
Comment: This variant is classified as likely benign based on ACMG/AMP sequence variant interpretation guidelines (Richards et al. 2015 PMID: 25741868, with internal and published modifications).

NM_004370.6(COL12A1):c.2832T>C (p.Asp944=)

Gene: COL12A1 (collagen type XII alpha 1 chain; minus strand). Cytogenetic location: 6q13.
Variant type: single nucleotide variant.
Coding change: c.2832T>C on transcript NM_004370.6 (MANE Select); coding-DNA position 2832, T replaced by C.
Protein change: p.Asp944=; no amino-acid change (aspartic acid 944 retained).
Molecular consequence: synonymous variant. On other transcripts: intron variant (1).
Genome position (GRCh38, 1-based): chr6:75,165,658, A>G on the plus strand (T>C on the coding strand, the complement: COL12A1 is on the minus strand). VCF-style: chr6-75165658-A-G. GRCh37 (hg19) VCF-style: chr6-75875374-A-G.
Other names: p.Asp944=; c.74-13176T>C (NM_080645.3).
Identifiers: ClinVar variation 740853 (VCV000740853.10), dbSNP rs375540397, ClinGen allele CA3893864.
Genomic context (GRCh38, chr6:75,165,658, plus strand): 5'-ATTTTCTATCATCGTATGAATTGCATCTTCAGGCAGATTTTTCTCTCCAGTGTCAACATC[A>G]TCATAAAGTGATTTCCATGAGACCCTGTAACCGCGAACCATTCCTGGAGCAGATGTCCAA-3'
Protein context (NP_004361.3, residues 934-954): GYRVSWKSLY[Asp944=]DVDTGEKNLP